The following is an entry in ClinVar:

NM_007294.4(BRCA1):c.3993G>C (p.Gln1331His)

Genes: BRCA1 (BRCA1 DNA repair associated; minus strand), LOC126862571 (BRD4-independent group 4 enhancer GRCh37_chr17:41243136-41244335; plus strand). Cytogenetic location: 17q21.31.
Variant type: single nucleotide variant.
Coding change: c.3993G>C on transcript NM_007294.4 (MANE Select); coding-DNA position 3993, G replaced by C.
Protein change: p.Gln1331His; replaces glutamine 1331 with histidine.
Molecular consequence: missense variant. On other transcripts: intron variant (135).
Genome position (GRCh38, 1-based): chr17:43,091,538, C>G on the plus strand (G>C on the coding strand, the complement: BRCA1 is on the minus strand). VCF-style: chr17-43091538-C-G. GRCh37 (hg19) VCF-style: chr17-41243555-C-G.
Other names: c.3729G>C, p.Gln1243His (NM_001407923.1, NM_001407924.1, NM_001407925.1 and 9 more transcripts); c.3780G>C, p.Gln1260His (NM_001407571.1, NM_001407853.1, NM_001407894.1 and 9 more transcripts); c.3993G>C, p.Gln1331His (NM_001407581.1, NM_001407582.1, NM_001407583.1 and 30 more transcripts); c.3726G>C, p.Gln1242His (NM_001407930.1, NM_001407931.1, NM_001407932.1 and 2 more transcripts); c.3990G>C, p.Gln1330His (NM_001407587.1, NM_001407610.1, NM_001407611.1 and 22 more transcripts); c.3870G>C, p.Gln1290His (NM_001407937.1, NM_001407938.1, NM_001407939.1 and 19 more transcripts); c.3867G>C, p.Gln1289His (NM_001407940.1, NM_001407941.1, NM_001407649.1 and 11 more transcripts); c.3852G>C, p.Gln1284His (NM_001407942.1, NM_001407944.1, NM_001407945.1 and 29 more transcripts); and 41 more; short protein forms Q1035H, Q1283H, Q1290H, Q1304H, Q1203H, Q1220H, Q1264H, Q1328H.
Identifiers: ClinVar variation 1736786 (VCV001736786.7), dbSNP rs70953658, ClinGen allele CA10593976.
Genomic context (GRCh38, chr17:43,091,538, plus strand): 5'-CAAGCCCGTTCCTCTTTCTTCATCATCTGAAACCAATTCCTTGTCACTCAGACCAACTCC[C>G]TGGCTTTCAGACTGATGCCTCATTTGTTTGGAAGAACCAATCAAGAAAGGATCCTGGGTG-3'
Protein context (NP_009225.1, residues 1321-1341): SKQMRHQSES[Gln1331His]GVGLSDKELV

ClinVar aggregate classification (germline): Conflicting classifications of pathogenicity. Review status: criteria provided, conflicting classifications (1 of 4 stars). 5 submissions from 5 submitters: Uncertain significance (4); Likely benign (1). Last evaluated 2026-06-02.

Conditions:
Inherited prostate cancer.
Hereditary cancer-predisposing syndrome. Also called: Neoplastic Syndromes, Hereditary; Tumor predisposition; Hereditary neoplastic syndrome; Hereditary Cancer Syndrome. Identifiers: Orphanet 140162, MedGen C0027672, MeSH D009386, MONDO:0015356.
Breast-ovarian cancer, familial, susceptibility to, 1 (BROVCA1). Also called: OVARIAN CANCER, SUSCEPTIBILITY TO; BRCA1 Hereditary Breast and Ovarian Cancer. Identifiers: Orphanet 145, MedGen C2676676, MONDO:0011450, OMIM 604370. Disease mechanism: loss of function.

Submissions (5):

Cambridge Genomics Laboratory, East Genomic Laboratory Hub, NHS Genomic Medicine Service
Classification: Uncertain significance for Inherited prostate cancer. Last evaluated: 2026-06-02. Review status: criteria provided, single submitter. Criteria: ACGS Best Practice Guidelines for Variant Classification in Rare Disease 2020. Collection method: clinical testing. Allele origin: germline. Affected: yes.
Comment: PM2

All of Us Research Program, National Institutes of Health
Classification: Uncertain significance for Breast-ovarian cancer, familial, susceptibility to, 1. Last evaluated: 2023-11-02. Review status: criteria provided, single submitter. Criteria: ACMG Guidelines, 2015. Collection method: clinical testing. Allele origin: germline. Inheritance: Autosomal dominant inheritance. Observed: 1 variant allele, 1 heterozygote.
Comment: This missense variant replaces glutamine with histidine at codon 1331 of the BRCA1 protein. Computational prediction is inconclusive regarding the impact of this variant on protein structure and function (internally defined REVEL score threshold 0.5 < inconclusive < 0.7, PMID: 27666373). To our knowledge, functional studies have not been reported for this variant. This variant has not been reported in individuals affected with BRCA1-related disorders in the literature. This variant has not been identified in the general population by the Genome Aggregation Database (gnomAD). The available evidence is insufficient to determine the role of this variant in disease conclusively. Therefore, this variant is classified as a Variant of Uncertain Significance.

This study involves interpretation of variants in research participants for the purpose of population health screening. Participant phenotype was not available at the time of variant classification. Additional details can be found in publication PMID: 35346344, PMCID: PMC8962531

University of Washington Department of Laboratory Medicine, University of Washington
Classification: Likely benign for Hereditary cancer-predisposing syndrome. Last evaluated: 2023-03-23. Review status: criteria provided, single submitter. Criteria: Dines et al. (Genet Med. 2020). Collection method: curation. Allele origin: germline.
Comment: Missense variant in a coldspot region where missense variants are very unlikely to be pathogenic (PMID:31911673).

BRCA1 coldspot (exon 11 using historical exon numbering). Reclassification based on statistical prior probability

GeneDx
Classification: Uncertain significance. Last evaluated: 2022-08-07. Review status: criteria provided, single submitter. Criteria: GeneDx Variant Classification Process June 2021. Collection method: clinical testing. Allele origin: germline. Affected: yes.
Comment: Not observed at significant frequency in large population cohorts (gnomAD); In silico analysis supports that this missense variant does not alter protein structure/function; Has not been previously published as pathogenic or benign to our knowledge; Also known as 4112G>C; This variant is associated with the following publications: (PMID: 15343273, 22737296)

Ambry Genetics
Classification: Uncertain significance for Hereditary cancer-predisposing syndrome. Last evaluated: 2020-09-23. Review status: criteria provided, single submitter. Criteria: Ambry Variant Classification Scheme 2023. Collection method: clinical testing. Allele origin: germline.
Comment: The p.Q1331H variant (also known as c.3993G>C), located in coding exon 9 of the BRCA1 gene, results from a G to C substitution at nucleotide position 3993. The glutamine at codon 1331 is replaced by histidine, an amino acid with highly similar properties. This amino acid position is not well conserved in available vertebrate species. In addition, the in silico prediction for this alteration is inconclusive. Since supporting evidence is limited at this time, the clinical significance of this alteration remains unclear.